The following is an entry in ClinVar:

ClinVar aggregate classification (germline): Conflicting classifications of pathogenicity. Review status: criteria provided, conflicting classifications (1 of 4 stars). 3 submissions from 3 submitters: Uncertain significance (2); Benign (1). Last evaluated 2022-05-04.

Conditions:
Cataract 6 multiple types. Also called: CATARACT 6, POSTERIOR POLAR; CATARACT 6, CONGENITAL TOTAL; CATARACT, AGE-RELATED CORTICAL, 2. Identifiers: Orphanet 91492, MedGen C1861825, MONDO:0007288, OMIM 116600.

Allele frequency attached by ClinVar (database versions not stated): gnomAD exomes 0.00010 and 0.00027; gnomAD 0.00011 and 0.00015; ExAC 0.00025; TOPMed 0.00025; 1000 Genomes Project 0.00060; 1000 Genomes Project 30x 0.00078.
gnomAD v4.1: 165 of 1,609,234 alleles (0.01%); highest among the groups gnomAD compares: East Asian, 0.31%; no homozygotes.

Submissions (3):

Mendelics
Classification: Uncertain significance. Last evaluated: 2022-05-04. Review status: criteria provided, single submitter. Criteria: Mendelics Assertion Criteria 2019. Collection method: clinical testing. Allele origin: germline.

Labcorp Genetics (formerly Invitae), Labcorp
Classification: Uncertain significance for Cataract 6 multiple types. Last evaluated: 2020-07-22. Review status: criteria provided, single submitter. Criteria: Invitae Variant Classification Sherloc (09022015). Collection method: clinical testing. Allele origin: germline.
Comment: This sequence change replaces threonine with methionine at codon 349 of the EPHA2 protein (p.Thr349Met). The threonine residue is highly conserved and there is a moderate physicochemical difference between threonine and methionine. This variant is present in population databases (rs200490325, ExAC 0.3%). This variant has been observed in individual(s) with congenital cataracts (PMID: 24968223). Algorithms developed to predict the effect of missense changes on protein structure and function are either unavailable or do not agree on the potential impact of this missense change (SIFT: Deleterious; PolyPhen-2: Benign; Align-GVGD: Class C0). In summary, the available evidence is currently insufficient to determine the role of this variant in disease. Therefore, it has been classified as a Variant of Uncertain Significance.

Illumina Laboratory Services, Illumina
Classification: Benign for Cataract 6 multiple types. Last evaluated: 2017-05-03. Review status: criteria provided, single submitter. Criteria: ICSL Variant Classification Criteria 13 December 2019. Collection method: clinical testing. Allele origin: germline.
Comment: This variant was observed as part of a predisposition screen in an ostensibly healthy population. A literature search was performed for the gene, cDNA change, and amino acid change (where applicable). Publications were found based on this search. The evidence from the literature, in combination with allele frequency data from public databases where available, was sufficient to rule this variant out of causing disease. Therefore, this variant is classified as benign.

Literature cited by the submitters: PubMed 24968223 (cited by Labcorp Genetics (formerly Invitae), Labcorp and Illumina Laboratory Services, Illumina).

NM_004431.5(EPHA2):c.1046C>T (p.Thr349Met)

Gene: EPHA2 (EPH receptor A2; minus strand). Cytogenetic location: 1p36.13.
Variant type: single nucleotide variant.
Coding change: c.1046C>T on transcript NM_004431.5 (MANE Select); coding-DNA position 1046, C replaced by T.
Protein change: p.Thr349Met; replaces threonine 349 with methionine.
Molecular consequence: missense variant.
Genome position (GRCh38, 1-based): chr1:16,138,119, G>A on the plus strand (C>T on the coding strand, the complement: EPHA2 is on the minus strand). VCF-style: chr1-16138119-G-A. GRCh37 (hg19) VCF-style: chr1-16464614-G-A.
Other names: c.884C>T, p.Thr295Met (NM_001329090.2); short protein forms T349M, T295M.
Identifiers: ClinVar variation 875794 (VCV000875794.7), dbSNP rs200490325, ClinGen allele CA625335.